The following is an entry in ClinVar:

NM_001142800.2(EYS):c.2260-3T>G

Gene: EYS (EGF-like photoreceptor maintenance factor; minus strand). Cytogenetic location: 6q12.
Variant type: single nucleotide variant.
Coding change: c.2260-3T>G on transcript NM_001142800.2 (MANE Select); 3 bases into the intron before coding-DNA position 2260, T replaced by G.
Molecular consequence: intron variant.
Genome position (GRCh38, 1-based): chr6:64,945,917, A>C on the plus strand (T>G on the coding strand, the complement: EYS is on the minus strand). VCF-style: chr6-64945917-A-C. GRCh37 (hg19) VCF-style: chr6-65655810-A-C.
Other names: c.2260-3T>G (NM_001292009.2).
Identifiers: ClinVar variation 1378474 (VCV001378474.9), dbSNP rs2150096134, ClinGen allele CA2573141034.
Genomic context (GRCh38, chr6:64,945,917, plus strand): 5'-TGGATTCTTGTTCACAAAAATTTCCTTCCCAATCAGATAGGCACACACACTGGTAGCTCT[A>C]AGAGAATATGAAATTATATATTTTTAGGCTATTTCTTACTATTAAGCCTATAATACAGAT-3'

ClinVar aggregate classification (germline): Uncertain significance. Review status: criteria provided, multiple submitters, no conflicts (2 of 4 stars). 2 submissions from 2 submitters: Uncertain significance (2). Last evaluated 2026-05-12.

Conditions:
Retinitis pigmentosa 25 (RP25). Identifiers: Orphanet 791, MedGen C1864446, MONDO:0011272, OMIM 602772.

gnomAD v4.1: 6 of 1,541,036 alleles (0.00039%); highest among the groups gnomAD compares: Non-Finnish European, 0.00053%; no homozygotes.

Submissions (2):

Myriad Genetics, Inc.
Classification: Uncertain significance for Retinitis pigmentosa 25. Last evaluated: 2026-05-12. Review status: criteria provided, single submitter. Criteria: Myriad Autosomal Dominant, Autosomal Recessive and X-Linked Classification Criteria (2023). Collection method: clinical testing. Allele origin: unknown.
Comment: NM_001142800.1(EYS):c.2260-3T>G is an intronic variant classified as a variant of uncertain significance in the context of retinitis pigmentosa, EYS-related. c.2260-3T>G has been observed in a case with relevant disease (PMID: 38219857). Relevant functional assessments of this variant are not available in the literature. c.2260-3T>G has not been observed in referenced population frequency databases. In summary, there is insufficient evidence to classify NM_001142800.1(EYS):c.2260-3T>G as pathogenic or benign. Please note: this variant was assessed in the context of healthy population screening.

Labcorp Genetics (formerly Invitae), Labcorp
Classification: Uncertain significance. Last evaluated: 2024-10-15. Review status: criteria provided, single submitter. Criteria: Invitae Variant Classification Sherloc (09022015). Collection method: clinical testing. Allele origin: germline.
Comment: This sequence change falls in intron 14 of the EYS gene. It does not directly change the encoded amino acid sequence of the EYS protein. It affects a nucleotide within the consensus splice site. This variant is not present in population databases (gnomAD no frequency). This variant has been observed in individual(s) with clinical features of retinitis pigmentosa (internal data). ClinVar contains an entry for this variant (Variation ID: 1378474). Variants that disrupt the consensus splice site are a relatively common cause of aberrant splicing (PMID: 17576681, 9536098). Algorithms developed to predict the effect of sequence changes on RNA splicing suggest that this variant may disrupt the consensus splice site. In summary, the available evidence is currently insufficient to determine the role of this variant in disease. Therefore, it has been classified as a Variant of Uncertain Significance.

Literature cited by the submitters: PubMed 38219857 (cited by Myriad Genetics, Inc.); PubMed 17576681 (cited by Labcorp Genetics (formerly Invitae), Labcorp); PubMed 9536098 (cited by Labcorp Genetics (formerly Invitae), Labcorp).